The following is an entry in ClinVar:

ClinVar aggregate classification (germline): Likely benign (1 of 4 stars; one submission).

gnomAD v4.1: 2,528 of 1,604,048 alleles (0.16%); highest among the groups gnomAD compares: Non-Finnish European, 0.2%; 4 homozygotes.

Submission:

CeGaT Center for Human Genetics Tuebingen
Classification: Likely benign. Last evaluated: 2026-07-01. Review status: criteria provided, single submitter. Criteria: CeGaT Center For Human Genetics Tuebingen Variant Classification Criteria Version 2. Collection method: clinical testing. Allele origin: germline. Affected: yes. Observed: 2 variant alleles.
Comment: PPFIA3: BP4, BP7

NM_003660.4(PPFIA3):c.1014G>A (p.Ser338=)

Gene: PPFIA3 (PPFI scaffold protein A3; plus strand). Cytogenetic location: 19q13.33.
Variant type: single nucleotide variant.
Coding change: c.1014G>A on transcript NM_003660.4 (MANE Select); coding-DNA position 1014, G replaced by A.
Protein change: p.Ser338=; no amino-acid change (serine 338 retained).
Molecular consequence: synonymous variant. On other transcripts: non-coding transcript variant (1).
Genome position (GRCh38, 1-based): chr19:49,133,135, G>A. VCF-style: chr19-49133135-G-A. GRCh37 (hg19) VCF-style: chr19-49636392-G-A.
Identifiers: ClinVar variation 4820678 (VCV004820678.4).